The following is an entry in ClinVar:

NM_005228.5(EGFR):c.686G>A (p.Ser229Asn)

Gene: EGFR (epidermal growth factor receptor; plus strand). Cytogenetic location: 7p11.2.
Variant type: single nucleotide variant.
Coding change: c.686G>A on transcript NM_005228.5 (MANE Select); coding-DNA position 686, G replaced by A.
Protein change: p.Ser229Asn; replaces serine 229 with asparagine.
Molecular consequence: missense variant. On other transcripts: intron variant (1).
Genome position (GRCh38, 1-based): chr7:55,152,603, G>A. VCF-style: chr7-55152603-G-A. GRCh37 (hg19) VCF-style: chr7-55220296-G-A.
Other names: c.551G>A, p.Ser184Asn (NM_001346897.2, NM_001346899.2); c.686G>A, p.Ser229Asn (NM_001346898.2, NM_201282.2, NM_201283.2 and 1 more transcripts); c.527G>A, p.Ser176Asn (NM_001346900.2); c.89-3227G>A (NM_001346941.2); c.686G>A (NM_005228.3); short protein forms S176N, S184N, S229N.
Identifiers: ClinVar variation 1406776 (VCV001406776.7), dbSNP rs1291943679, ClinGen allele CA367577435.

ClinVar aggregate classification (germline): Uncertain significance. Review status: criteria provided, multiple submitters, no conflicts (2 of 4 stars). 2 submissions from 2 submitters: Uncertain significance (2). Last evaluated 2025-01-06.

Conditions:
Hereditary cancer-predisposing syndrome. Also called: Hereditary neoplastic syndrome; Hereditary Cancer Syndrome; Neoplastic Syndromes, Hereditary; Tumor predisposition. Identifiers: Orphanet 140162, MedGen C0027672, MeSH D009386, MONDO:0015356.
EGFR-related lung cancer (EGFR). Identifiers: MedGen CN130014.

Allele frequency attached by ClinVar (database versions not stated): gnomAD exomes 0.00001.
gnomAD v4.1: 4 of 1,613,832 alleles (0.00025%); highest among the groups gnomAD compares: Non-Finnish European, 0.00034%; no homozygotes.

Submissions (2):

Ambry Genetics
Classification: Uncertain significance for Hereditary cancer-predisposing syndrome. Last evaluated: 2025-01-06. Review status: criteria provided, single submitter. Criteria: Ambry Variant Classification Scheme 2023. Collection method: clinical testing. Allele origin: germline.
Comment: The p.S229N variant (also known as c.686G>A), located in coding exon 6 of the EGFR gene, results from a G to A substitution at nucleotide position 686. The serine at codon 229 is replaced by asparagine, an amino acid with highly similar properties. This amino acid position is conserved. In addition, this alteration is predicted to be tolerated by in silico analysis. Based on the available evidence, the clinical significance of this variant remains unclear.

Labcorp Genetics (formerly Invitae), Labcorp
Classification: Uncertain significance for EGFR-related lung cancer. Last evaluated: 2023-07-12. Review status: criteria provided, single submitter. Criteria: Invitae Variant Classification Sherloc (09022015). Collection method: clinical testing. Allele origin: germline.
Comment: ClinVar contains an entry for this variant (Variation ID: 1406776). This sequence change replaces serine, which is neutral and polar, with asparagine, which is neutral and polar, at codon 229 of the EGFR protein (p.Ser229Asn). This variant is present in population databases (no rsID available, gnomAD 0.002%). This variant has not been reported in the literature in individuals affected with EGFR-related conditions. An algorithm developed to predict the effect of missense changes on protein structure and function (PolyPhen-2) suggests that this variant is likely to be tolerated. In summary, the available evidence is currently insufficient to determine the role of this variant in disease. Therefore, it has been classified as a Variant of Uncertain Significance.